The following is an entry in ClinVar:

ClinVar aggregate classification (germline): Uncertain significance (1 of 4 stars; one submission).

Conditions:
Paget disease of bone 2, early-onset (PDB2). Also called: Paget disease of bone 2. Identifiers: MedGen C4085251, MONDO:0011183, OMIM 602080.
Frontotemporal dementia and/or amyotrophic lateral sclerosis 1 (FTDALS1). Also called: Frontotemporal dementia with motor neuron disease 1; C9orf72 Frontotemporal Dementia and/or Amyotrophic Lateral Sclerosis. Identifiers: Orphanet 275872, MedGen C5779877, MONDO:0007105, OMIM 105550.

Allele frequency attached by ClinVar (database versions not stated): gnomAD 0.00001; TOPMed 0.00001; ESP Exome Variant Server 0.00008.
gnomAD v4.1: 15 of 1,613,940 alleles (0.00093%); highest among the groups gnomAD compares: East Asian, 0.0045%; no homozygotes.

Submission:

Labcorp Genetics (formerly Invitae), Labcorp
Classification: Uncertain significance for Paget disease of bone 2, early-onset; Frontotemporal dementia and/or amyotrophic lateral sclerosis 1. Last evaluated: 2025-11-04. Review status: criteria provided, single submitter. Criteria: Invitae Variant Classification Sherloc (09022015). Collection method: clinical testing. Allele origin: germline.
Comment: This sequence change replaces glutamic acid, which is acidic and polar, with lysine, which is basic and polar, at codon 81 of the SQSTM1 protein (p.Glu81Lys). This variant is present in population databases (rs368853286, gnomAD 0.003%). This missense change has been observed in individual(s) with amyotrophic lateral sclerosis (PMID: 25708934). ClinVar contains an entry for this variant (Variation ID: 838847). Invitae Evidence Modeling of protein sequence and biophysical properties (such as structural, functional, and spatial information, amino acid conservation, physicochemical variation, residue mobility, and thermodynamic stability) indicates that this missense variant is expected to disrupt SQSTM1 protein function with a positive predictive value of 80%. In summary, the available evidence is currently insufficient to determine the role of this variant in disease. Therefore, it has been classified as a Variant of Uncertain Significance.

Literature cited by the submitters: PubMed 25708934.

NM_003900.5(SQSTM1):c.241G>A (p.Glu81Lys)

Gene: SQSTM1 (sequestosome 1; plus strand). Cytogenetic location: 5q35.3.
Variant type: single nucleotide variant.
Coding change: c.241G>A on transcript NM_003900.5 (MANE Select); coding-DNA position 241, G replaced by A.
Protein change: p.Glu81Lys; replaces glutamic acid 81 with lysine.
Molecular consequence: missense variant. On other transcripts: 5 prime UTR variant (2).
Genome position (GRCh38, 1-based): chr5:179,822,993, G>A. VCF-style: chr5-179822993-G-A. GRCh37 (hg19) VCF-style: chr5-179249993-G-A.
Other names: c.-12G>A (NM_001142298.2, NM_001142299.2); short protein forms E81K.
Identifiers: ClinVar variation 838847 (VCV000838847.9), dbSNP rs368853286, ClinGen allele CA3600426.
Genomic context (GRCh38, chr5:179,822,993, plus strand): 5'-ACGTGCTGTCTTTTAAACAATCTAGATGAGGACGGGGACTTGGTTGCCTTTTCCAGTGAC[G>A]AGGAATTGACAATGGCCATGTCCTACGTGAAGGATGACATCTTCCGAATCTACATTAAAG-3'
Protein context (NP_003891.1, residues 71-91): DGDLVAFSSD[Glu81Lys]ELTMAMSYVK